The following is an entry in ClinVar:

NM_000069.3(CACNA1S):c.3861+14G>T

Gene: CACNA1S (calcium voltage-gated channel subunit alpha1 S; minus strand). Cytogenetic location: 1q32.1.
Variant type: single nucleotide variant.
Coding change: c.3861+14G>T on transcript NM_000069.3 (MANE Select); 14 bases into the intron after coding-DNA position 3861, G replaced by T.
Molecular consequence: intron variant.
Genome position (GRCh38, 1-based): chr1:201,053,195, C>A on the plus strand (G>T on the coding strand, the complement: CACNA1S is on the minus strand). VCF-style: chr1-201053195-C-A. GRCh37 (hg19) VCF-style: chr1-201022323-C-A.
Identifiers: ClinVar variation 294726 (VCV000294726.15), dbSNP rs200654730, ClinGen allele CA082884.

ClinVar aggregate classification (germline): Benign/Likely benign. Review status: criteria provided, multiple submitters, no conflicts (2 of 4 stars). 8 submissions from 5 submitters: Benign (5); Likely benign (3). Last evaluated 2026-01-12.

Conditions:
Thyrotoxic periodic paralysis, susceptibility to, 1 (TTPP1). Identifiers: Orphanet 79102, MedGen C2749982, MONDO:0008570, OMIM 188580.
Hypokalemic periodic paralysis, type 1. Also called: Hypokalemic Periodic Paralysis Type 1 (AD); HypoPP. Identifiers: Orphanet 681, MedGen C3714580, MONDO:0042979, OMIM 170400.
Malignant hyperthermia, susceptibility to, 5 (MHS5). Also called: CACNA1S-Related Malignant Hyperthermia Susceptibility. Identifiers: Orphanet 423, MedGen C1866077, MONDO:0011163, OMIM 601887.
Congenital myopathy 18. Also called: Myopathy, congenital, due to dihydropyridine receptor defect; DIHYDROPYRIDINE RECEPTOR CONGENITAL MYOPATHY; DHPR CONGENITAL MYOPATHY. Identifiers: MedGen C5830283, MONDO:0859514, OMIM 620246.

Allele frequency attached by ClinVar (database versions not stated): ESP Exome Variant Server 0.00046; TOPMed 0.00033.
gnomAD v4.1: 525 of 1,614,052 alleles (0.033%); highest among the groups gnomAD compares: Middle Eastern, 0.49%; 4 homozygotes.

Submissions (8):

Labcorp Genetics (formerly Invitae), Labcorp
Classification: Likely benign for Hypokalemic periodic paralysis, type 1; Malignant hyperthermia, susceptibility to, 5. Last evaluated: 2026-01-12. Review status: criteria provided, single submitter. Criteria: Invitae Variant Classification Sherloc (09022015). Collection method: clinical testing. Allele origin: germline.

Blueprint Genetics
Classification: Likely benign. Last evaluated: 2024-11-24. Review status: criteria provided, single submitter. Criteria: ACMG Guidelines, 2015. Collection method: clinical testing. Allele origin: germline.

Genome-Nilou Lab
Classification: Benign for Malignant hyperthermia, susceptibility to, 5. Last evaluated: 2023-04-11. Review status: criteria provided, single submitter. Criteria: ACMG Guidelines, 2015. Collection method: clinical testing. Allele origin: germline. Affected: no.

Genome-Nilou Lab
Classification: Benign for Thyrotoxic periodic paralysis, susceptibility to, 1. Last evaluated: 2023-04-11. Review status: criteria provided, single submitter. Criteria: ACMG Guidelines, 2015. Collection method: clinical testing. Allele origin: germline. Affected: no.

Genome-Nilou Lab
Classification: Benign for Congenital myopathy 18. Last evaluated: 2023-04-11. Review status: criteria provided, single submitter. Criteria: ACMG Guidelines, 2015. Collection method: clinical testing. Allele origin: germline. Affected: no.

Genome-Nilou Lab
Classification: Benign for Hypokalemic periodic paralysis, type 1. Last evaluated: 2023-04-11. Review status: criteria provided, single submitter. Criteria: ACMG Guidelines, 2015. Collection method: clinical testing. Allele origin: germline. Affected: no.

Fulgent Genetics
Classification: Likely benign for Hypokalemic periodic paralysis, type 1; Thyrotoxic periodic paralysis, susceptibility to, 1; Malignant hyperthermia, susceptibility to, 5. Last evaluated: 2021-09-09. Review status: criteria provided, single submitter. Criteria: ACMG Guidelines, 2015. Collection method: clinical testing. Allele origin: unknown.

Illumina Laboratory Services, Illumina
Classification: Benign for Hypokalemic periodic paralysis, type 1. Last evaluated: 2018-01-13. Review status: criteria provided, single submitter. Criteria: ICSL Variant Classification Criteria 13 December 2019. Collection method: clinical testing. Allele origin: germline.
Comment: This variant was observed in the ICSL laboratory as part of a predisposition screen in an ostensibly healthy population. It had not been previously curated by ICSL or reported in the Human Gene Mutation Database (HGMD: prior to June 1st, 2018), and was therefore a candidate for classification through an automated scoring system. Utilizing variant allele frequency, disease prevalence and penetrance estimates, and inheritance mode, an automated score was calculated to assess if this variant is too frequent to cause the disease. Based on the score and internal cut-off values, a variant classified as benign is not then subjected to further curation. The score for this variant resulted in a classification of benign for this disease.